The following is an entry in ClinVar:

ClinVar aggregate classification (germline): Uncertain significance (1 of 4 stars; one submission).

Conditions:
Neuropathy, hereditary sensory and autonomic, type 2A (HSAN2A). Also called: ACROOSTEOLYSIS, GIACCAI TYPE; ACROOSTEOLYSIS, NEUROGENIC; WNK1-Related HSAN2 (HSAN2A); MORVAN DISEASE; NEUROPATHY, CONGENITAL SENSORY; NEUROPATHY, HEREDITARY SENSORY RADICULAR, AUTOSOMAL RECESSIVE. Identifiers: Orphanet 970, MedGen C2752089, MONDO:0024309, OMIM 201300.
Generalized epilepsy with febrile seizures plus, type 7 (GEFSP7). Also called: GEFS+, TYPE 7. Identifiers: Orphanet 36387, MedGen C2751778, MONDO:0013470, OMIM 613863.

Submission:

Labcorp Genetics (formerly Invitae), Labcorp
Classification: Uncertain significance for Neuropathy, hereditary sensory and autonomic, type 2A; Generalized epilepsy with febrile seizures plus, type 7. Last evaluated: 2025-02-02. Review status: criteria provided, single submitter. Criteria: Invitae Variant Classification Sherloc (09022015). Collection method: clinical testing. Allele origin: germline.
Comment: This sequence change replaces glutamine, which is neutral and polar, with arginine, which is basic and polar, at codon 1896 of the SCN9A protein (p.Gln1896Arg). This variant is not present in population databases (gnomAD no frequency). This variant has not been reported in the literature in individuals affected with SCN9A-related conditions. Invitae Evidence Modeling of protein sequence and biophysical properties (such as structural, functional, and spatial information, amino acid conservation, physicochemical variation, residue mobility, and thermodynamic stability) indicates that this missense variant is not expected to disrupt SCN9A protein function with a negative predictive value of 95%. In summary, the available evidence is currently insufficient to determine the role of this variant in disease. Therefore, it has been classified as a Variant of Uncertain Significance.

NM_001365536.1(SCN9A):c.5720A>G (p.Gln1907Arg)

Genes: SCN9A (sodium voltage-gated channel alpha subunit 9; minus strand), SCN1A-AS1 (SCN1A and SCN9A antisense RNA 1; plus strand). Cytogenetic location: 2q24.3.
Variant type: single nucleotide variant.
Coding change: c.5720A>G on transcript NM_001365536.1 (MANE Select); coding-DNA position 5720, A replaced by G.
Protein change: p.Gln1907Arg; replaces glutamine 1907 with arginine.
Molecular consequence: missense variant.
Genome position (GRCh38, 1-based): chr2:166,198,919, T>C on the plus strand (A>G on the coding strand, the complement: SCN9A is on the minus strand). VCF-style: chr2-166198919-T-C. GRCh37 (hg19) VCF-style: chr2-167055429-T-C.
Other names: c.5687A>G, p.Gln1896Arg (NM_002977.4); short protein forms Q1896R, Q1907R.
Identifiers: ClinVar variation 3758906 (VCV003758906.2).